The following is an entry in ClinVar:

ClinVar aggregate classification (germline): Uncertain significance (1 of 4 stars; one submission).

Conditions:
Fabry disease. Also called: Fabry's disease; ALPHA-GALACTOSIDASE A DEFICIENCY; ANDERSON-FABRY DISEASE; CERAMIDE TRIHEXOSIDASE DEFICIENCY; GLA DEFICIENCY; HEREDITARY DYSTOPIC LIPIDOSIS. Identifiers: Orphanet 324, MedGen C0002986, MONDO:0010526, OMIM 301500, HP:0001071. Disease mechanism: Fabry disease is due to inactivating mutations in the X-linked GLA gene resulting in deficiency of the enzyme Alpha Galactosidase-A., loss of function.

Submission:

Labcorp Genetics (formerly Invitae), Labcorp
Classification: Uncertain significance for Fabry disease. Last evaluated: 2025-05-12. Review status: criteria provided, single submitter. Criteria: Invitae Variant Classification Sherloc (09022015). Collection method: clinical testing. Allele origin: germline.
Comment: This variant, c.922_936del, results in the deletion of 5 amino acid(s) of the GLA protein (p.Lys308_Gln312del), but otherwise preserves the integrity of the reading frame. This variant is not present in population databases (gnomAD no frequency). This variant has not been reported in the literature in individuals affected with GLA-related conditions. ClinVar contains an entry for this variant (Variation ID: 3640430). Experimental studies and prediction algorithms are not available or were not evaluated, and the functional significance of this variant is currently unknown. In summary, the available evidence is currently insufficient to determine the role of this variant in disease. Therefore, it has been classified as a Variant of Uncertain Significance.

NM_000169.3(GLA):c.922_936del (p.Lys308_Gln312del)

Genes: GLA (galactosidase alpha; minus strand), RPL36A-HNRNPH2 (RPL36A-HNRNPH2 readthrough; plus strand). Cytogenetic location: Xq22.1.
Variant type: Deletion.
Coding change: c.922_936del on transcript NM_000169.3 (MANE Select); coding-DNA positions 922 to 936, 15 bases deleted (AAAGCTCTCCTTCAG).
Protein change: p.Lys308_Gln312del.
Molecular consequence: intron variant (on NM_001199974.2). On other transcripts: non-coding transcript variant (3).
Genome position (GRCh38, 1-based): chrX:101,398,433-101,398,447, CTGAAGGAGAGCTTT deleted on the plus strand (AAAGCTCTCCTTCAG on the coding strand, the reverse complement: GLA is on the minus strand). VCF-style (leftmost placement, unchanged base first): chrX-101398432-CCTGAAGGAGAGCTTT-C. GRCh37 (hg19) VCF-style: chrX-100653420-CCTGAAGGAGAGCTTT-C.
Other names: c.177+6611_177+6625del (NM_001199974.2); c.1045_1059del, p.Lys349_Gln353del (NM_001406747.1); c.922_936del, p.Lys308_Gln312del (NM_001406748.1); c.300+2976_300+2990del (NM_001199973.2).
Identifiers: ClinVar variation 3640430 (VCV003640430.2).